The following is an entry in ClinVar:

ClinVar aggregate classification (germline): Uncertain significance. Review status: criteria provided, multiple submitters, no conflicts (2 of 4 stars). 4 submissions from 4 submitters: Uncertain significance (4). Last evaluated 2026-10-07.

Conditions:
Pyruvate carboxylase deficiency. Also called: Pyruvate Carboxylase Deficiency Disease; LEIGH NECROTIZING ENCEPHALOPATHY DUE TO PYRUVATE CARBOXYLASE DEFICIENCY; LEIGH SYNDROME DUE TO PYRUVATE CARBOXYLASE DEFICIENCY; PC DEFICIENCY; ATAXIA WITH LACTIC ACIDOSIS II. Identifiers: Orphanet 3008, MedGen C0034341, MONDO:0009949, OMIM 266150.

Allele frequency attached by ClinVar (database versions not stated): ExAC 0.00003; gnomAD exomes 0.00004 and 0.00023; ESP Exome Variant Server 0.00008; gnomAD 0.00011 and 0.00010; TOPMed 0.00011.
gnomAD v4.1: 347 of 1,613,930 alleles (0.022%); highest among the groups gnomAD compares: Non-Finnish European, 0.028%; no homozygotes.

Submissions (4):

GeneDx
Classification: Uncertain significance. Last evaluated: 2026-10-07. Review status: criteria provided, single submitter. Criteria: GeneDx Variant Classification Process June 2021. Collection method: clinical testing. Allele origin: germline.
Comment: Not observed at significant frequency in large population cohorts (gnomAD); In silico analysis suggests that this missense variant does not alter protein structure/function; Has not been previously published as pathogenic or benign to our knowledge

Labcorp Genetics (formerly Invitae), Labcorp
Classification: Uncertain significance for Pyruvate carboxylase deficiency. Last evaluated: 2021-08-30. Review status: criteria provided, single submitter. Criteria: Invitae Variant Classification Sherloc (09022015). Collection method: clinical testing. Allele origin: germline.
Comment: This sequence change replaces arginine with histidine at codon 1158 of the PC protein (p.Arg1158His). The arginine residue is moderately conserved and there is a small physicochemical difference between arginine and histidine. This variant is present in population databases (rs149054698, ExAC 0.006%). This variant has not been reported in the literature in individuals affected with PC-related conditions. ClinVar contains an entry for this variant (Variation ID: 305615). Algorithms developed to predict the effect of missense changes on protein structure and function output the following: SIFT: "Deleterious"; PolyPhen-2: "Benign"; Align-GVGD: "Class C0". The histidine amino acid residue is found in multiple mammalian species, which suggests that this missense change does not adversely affect protein function. In summary, the available evidence is currently insufficient to determine the role of this variant in disease. Therefore, it has been classified as a Variant of Uncertain Significance.

Knight Diagnostic Laboratories, Oregon Health and Sciences University
Classification: Uncertain significance for Pyruvate carboxylase deficiency. Last evaluated: 2019-03-21. Review status: criteria provided, single submitter. Criteria: ACMG Guidelines, 2015. Collection method: clinical testing. Allele origin: germline. Observed: 1 variant allele.

Illumina Laboratory Services, Illumina
Classification: Uncertain significance for Pyruvate carboxylase deficiency. Last evaluated: 2018-01-12. Review status: criteria provided, single submitter. Criteria: ICSL Variant Classification Criteria 13 December 2019. Collection method: clinical testing. Allele origin: germline.

NM_001040716.2(PC):c.3473G>A (p.Arg1158His)

Gene: PC (pyruvate carboxylase; minus strand). Cytogenetic location: 11q13.2.
Variant type: single nucleotide variant.
Coding change: c.3473G>A on transcript NM_001040716.2 (MANE Select); coding-DNA position 3473, G replaced by A.
Protein change: p.Arg1158His; replaces arginine 1158 with histidine.
Molecular consequence: missense variant.
Genome position (GRCh38, 1-based): chr11:66,848,963, C>T on the plus strand (G>A on the coding strand, the complement: PC is on the minus strand). VCF-style: chr11-66848963-C-T. GRCh37 (hg19) VCF-style: chr11-66616434-C-T.
Other names: c.3473G>A, p.Arg1158His (NM_000920.4, NM_022172.3); short protein forms R1158H.
Identifiers: ClinVar variation 305615 (VCV000305615.12), dbSNP rs149054698, ClinGen allele CA6130775.